The following is an entry in ClinVar:

ClinVar aggregate classification (germline): Uncertain significance. Review status: criteria provided, multiple submitters, no conflicts (2 of 4 stars). 2 submissions from 2 submitters: Uncertain significance (2). Last evaluated 2025-06-09.

Conditions:
Charcot-Marie-Tooth disease type 2. Also called: Charcot-Marie-Tooth type 2. Identifiers: Orphanet 64746, MedGen C0270914, MONDO:0018993.

Submissions (2):

GeneDx
Classification: Uncertain significance. Last evaluated: 2025-06-09. Review status: criteria provided, single submitter. Criteria: GeneDx Variant Classification Process June 2021. Collection method: clinical testing. Allele origin: germline. Affected: yes.
Comment: Not observed at significant frequency in large population cohorts (gnomAD); In silico analysis suggests that this missense variant does not alter protein structure/function; Has not been previously published as pathogenic or benign to our knowledge; This variant is associated with the following publications: (PMID: 10939567)

Labcorp Genetics (formerly Invitae), Labcorp
Classification: Uncertain significance for Charcot-Marie-Tooth disease type 2. Last evaluated: 2021-06-16. Review status: criteria provided, single submitter. Criteria: Invitae Variant Classification Sherloc (09022015). Collection method: clinical testing. Allele origin: germline.
Comment: In summary, the available evidence is currently insufficient to determine the role of this variant in disease. Therefore, it has been classified as a Variant of Uncertain Significance. Algorithms developed to predict the effect of missense changes on protein structure and function (SIFT, PolyPhen-2, Align-GVGD) all suggest that this variant is likely to be disruptive, but these predictions have not been confirmed by published functional studies and their clinical significance is uncertain. This variant has not been reported in the literature in individuals with LMNA-related conditions. The frequency data for this variant in the population databases is considered unreliable, as metrics indicate insufficient coverage at this position in the ExAC database. This sequence change replaces arginine with tryptophan at codon 7 of the LMNA protein (p.Arg7Trp). The arginine residue is highly conserved and there is a moderate physicochemical difference between arginine and tryptophan.

NM_170707.4(LMNA):c.19C>T (p.Arg7Trp)

Genes: LMNA (lamin A/C; plus strand), LOC129931597 (ATAC-STARR-seq lymphoblastoid silent region 1421; plus strand). Cytogenetic location: 1q22.
Variant type: single nucleotide variant.
Coding change: c.19C>T on transcript NM_170707.4 (MANE Select); coding-DNA position 19, C replaced by T.
Protein change: p.Arg7Trp; replaces arginine 7 with tryptophan.
Molecular consequence: missense variant.
Genome position (GRCh38, 1-based): chr1:156,114,937, C>T. VCF-style: chr1-156114937-C-T. GRCh37 (hg19) VCF-style: chr1-156084728-C-T.
Other names: c.19C>T (NM_170707.2); c.19C>T, p.Arg7Trp (NM_001282625.2, NM_001282626.2, NM_005572.4 and 1 more transcripts); short protein forms R7W.
Identifiers: ClinVar variation 1478493 (VCV001478493.9), dbSNP rs1397676761, ClinGen allele CA342805997.